The following is an entry in ClinVar:

ClinVar aggregate classification (germline): Uncertain significance (1 of 4 stars; one submission).

Conditions:
Primary dilated cardiomyopathy (DCM). Also called: Dilated Cardiomyopathy. Identifiers: Orphanet 217604, MedGen C0007193, MeSH D002311, MONDO:0005021, HP:0001644. Inheritance: Various modes of inheritance.

Allele frequency attached by ClinVar (database versions not stated): gnomAD 0.00001.
gnomAD v4.1: 1 of 1,612,410 alleles (0.000062%); highest among the groups gnomAD compares: African/African-American, 0.0013%; no homozygotes.

Submission:

Labcorp Genetics (formerly Invitae), Labcorp
Classification: Uncertain significance for Primary dilated cardiomyopathy. Last evaluated: 2023-06-24. Review status: criteria provided, single submitter. Criteria: Invitae Variant Classification Sherloc (09022015). Collection method: clinical testing. Allele origin: germline.
Comment: In summary, the available evidence is currently insufficient to determine the role of this variant in disease. Therefore, it has been classified as a Variant of Uncertain Significance. Algorithms developed to predict the effect of sequence changes on RNA splicing suggest that this variant may disrupt the consensus splice site. This variant has not been reported in the literature in individuals affected with NEBL-related conditions. This variant is not present in population databases (gnomAD no frequency). This sequence change affects an acceptor splice site in intron 4 of the NEBL gene. It is expected to disrupt RNA splicing. Variants that disrupt the donor or acceptor splice site typically lead to a loss of protein function (PMID: 16199547), however the current clinical and genetic evidence is not sufficient to establish whether loss-of-function variants in NEBL cause disease.

Literature cited by the submitters: PubMed 16199547.

NM_006393.3(NEBL):c.370-2A>G

Gene: NEBL (nebulette; minus strand). Cytogenetic location: 10p12.31.
Variant type: single nucleotide variant.
Coding change: c.370-2A>G on transcript NM_006393.3 (MANE Select); the canonical splice acceptor site of the intron before coding-DNA position 370, A replaced by G.
Molecular consequence: splice acceptor variant. On other transcripts: intron variant (9).
Genome position (GRCh38, 1-based): chr10:20,880,906, T>C on the plus strand (A>G on the coding strand, the complement: NEBL is on the minus strand). VCF-style: chr10-20880906-T-C. GRCh37 (hg19) VCF-style: chr10-21169835-T-C.
Other names: c.250-67966A>G (NM_001377326.1, NM_001377327.1, NM_001377328.1); c.358-67966A>G (NM_213569.2, NM_001173484.2, NM_001377322.1); c.301-67966A>G (NM_001377324.1); c.292-67966A>G (NM_001377325.1); c.310-67966A>G (NM_001377323.1).
Identifiers: ClinVar variation 2741231 (VCV002741231.3), dbSNP rs1022082180, ClinGen allele CA204215420.